The following is an entry in ClinVar:

NM_001904.4(CTNNB1):c.1516C>T (p.Leu506=)

Genes: CTNNB1 (catenin beta 1; plus strand), LOC126806659 (BRD4-independent group 4 enhancer GRCh37_chr3:41274918-41276117; plus strand). Cytogenetic location: 3p22.1.
Variant type: single nucleotide variant.
Coding change: c.1516C>T on transcript NM_001904.4 (MANE Select); coding-DNA position 1516, C replaced by T.
Protein change: p.Leu506=; no amino-acid change (leucine 506 retained).
Molecular consequence: synonymous variant.
Genome position (GRCh38, 1-based): chr3:41,233,859, C>T. VCF-style: chr3-41233859-C-T. GRCh37 (hg19) VCF-style: chr3-41275350-C-T.
Other names: c.1516C>T, p.Leu506= (NM_001098209.2, NM_001098210.2); c.1495C>T, p.Leu499= (NM_001330729.2).
Identifiers: ClinVar variation 128867 (VCV000128867.21), dbSNP rs3856748, ClinGen allele CA152527.
Genomic context (GRCh38, chr3:41,233,859, plus strand): 5'-CGCCTTCACTATGGACTACCAGTTGTGGTTAAGCTCTTACACCCACCATCCCACTGGCCT[C>T]TGATAAAGGTAAATTGTCAAAGTAGAATTTACCTTTGTTGCAGAATTGAAAATGAAGCAT-3'
Protein context (NP_001895.1, residues 496-516): KLLHPPSHWP[Leu506=]IKATVGLIRN

ClinVar aggregate classification (germline): Benign. Review status: criteria provided, multiple submitters, no conflicts (2 of 4 stars). 5 submissions from 5 submitters: Benign (4). 1 of the submissions does not count toward it. Last evaluated 2026-09-01.

Allele frequency attached by ClinVar (database versions not stated): gnomAD exomes 0.00261 and 0.00695; ExAC 0.00833; gnomAD 0.02417 and 0.02575; TOPMed 0.02791; 1000 Genomes Project 0.02895; ESP Exome Variant Server 0.02899; 1000 Genomes Project 30x 0.02951.
gnomAD v4.1: 7,642 of 1,613,918 alleles (0.47%); highest among the groups gnomAD compares: African/African-American, 8.7%; 326 homozygotes.

Submissions (5):

CeGaT Center for Human Genetics Tuebingen
Classification: Benign. Last evaluated: 2026-09-01. Review status: criteria provided, single submitter. Criteria: CeGaT Center For Human Genetics Tuebingen Variant Classification Criteria Version 2. Collection method: clinical testing. Allele origin: germline. Affected: yes. Observed: 1 variant allele.
Comment: CTNNB1: BP4, BS1, BS2

Labcorp Genetics (formerly Invitae), Labcorp
Classification: Benign. Last evaluated: 2026-02-03. Review status: criteria provided, single submitter. Criteria: Invitae Variant Classification Sherloc (09022015). Collection method: clinical testing. Allele origin: germline.

GeneDx
Classification: Benign. Last evaluated: 2018-07-26. Review status: criteria provided, single submitter. Criteria: GeneDx Variant Classification Process June 2021. Collection method: clinical testing. Allele origin: germline. Affected: yes.

Breakthrough Genomics
Classification: Benign. Review status: criteria provided, single submitter. Criteria: ACMG Guidelines, 2015. Collection method: not provided. Allele origin: germline. Inheritance: Autosomal dominant inheritance. Affected: yes.

Genetic Services Laboratory, University of Chicago
Classification: Likely benign for AllHighlyPenetrant. Review status: no assertion criteria provided. Collection method: clinical testing. Allele origin: germline. Inheritance: Autosomal dominant inheritance. Not counted in ClinVar's aggregate classification.
Comment: Likely benign based on allele frequency in 1000 Genomes Project or ESP global frequency and its presence in a patient with a rare or unrelated disease phenotype. NOT Sanger confirmed.